The following is an entry in ClinVar:

NM_017617.5(NOTCH1):c.1094G>A (p.Arg365His)

Gene: NOTCH1 (notch receptor 1; minus strand). Cytogenetic location: 9q34.3.
Variant type: single nucleotide variant.
Coding change: c.1094G>A on transcript NM_017617.5 (MANE Select); coding-DNA position 1094, G replaced by A.
Protein change: p.Arg365His; replaces arginine 365 with histidine.
Molecular consequence: missense variant.
Genome position (GRCh38, 1-based): chr9:136,518,596, C>T on the plus strand (G>A on the coding strand, the complement: NOTCH1 is on the minus strand). VCF-style: chr9-136518596-C-T. GRCh37 (hg19) VCF-style: chr9-139413048-C-T.
Other names: c.1094G>A, p.Arg365His (LRG_1122t1); short protein forms R365H.
Identifiers: ClinVar variation 544174 (VCV000544174.15), dbSNP rs775991013, ClinGen allele CA375565237.
Genomic context (GRCh38, chr9:136,518,596, plus strand): 5'-CTCAGGCCTGGCCCATGTGAGCCCCCTGCGCCCACCTGGGCCTCAAGGCACTCACCTGTG[C>T]GGCCATGGGGACACTCGCAGTAGAAGGAGGCCACACGGTCATGGCAGGTGGCGCCGTGGA-3'
Protein context (NP_060087.3, residues 355-375): ASFYCECPHG[Arg365His]TGLLCHLNDA

ClinVar aggregate classification (germline): Conflicting classifications of pathogenicity. Review status: criteria provided, conflicting classifications (1 of 4 stars). 4 submissions from 3 submitters: Uncertain significance (3); Likely benign (1). Last evaluated 2025-02-09.

Conditions:
Adams-Oliver syndrome 5 (AOS5). Identifiers: Orphanet 974, MedGen C4014970, MONDO:0014459, OMIM 616028.
Aortic valve disease 1 (AOVD1). Identifiers: MedGen C3887892, MONDO:0024523, OMIM 109730.

Allele frequency attached by ClinVar (database versions not stated): gnomAD 0.00001; TOPMed 0.00001.
gnomAD v4.1: 26 of 1,611,678 alleles (0.0016%); highest among the groups gnomAD compares: East Asian, 0.0045%; no homozygotes.

Submissions (4):

Labcorp Genetics (formerly Invitae), Labcorp
Classification: Likely benign for Adams-Oliver syndrome 5. Last evaluated: 2025-02-09. Review status: criteria provided, single submitter. Criteria: Invitae Variant Classification Sherloc (09022015). Collection method: clinical testing. Allele origin: germline.

Genome-Nilou Lab
Classification: Uncertain significance for Adams-Oliver syndrome 5. Last evaluated: 2022-03-15. Review status: criteria provided, single submitter. Criteria: ACMG Guidelines, 2015. Collection method: clinical testing. Allele origin: germline. Affected: no.

Genome-Nilou Lab
Classification: Uncertain significance for Aortic valve disease 1. Last evaluated: 2022-03-15. Review status: criteria provided, single submitter. Criteria: ACMG Guidelines, 2015. Collection method: clinical testing. Allele origin: germline. Affected: no.

GeneDx
Classification: Uncertain significance. Last evaluated: 2020-08-05. Review status: criteria provided, single submitter. Criteria: GeneDx Variant Classification Process June 2021. Collection method: clinical testing. Allele origin: germline. Affected: yes.
Comment: Has not been previously reported as pathogenic or benign in association with connective tissue disorders or congenital heart defects to our knowledge; Identified in conjunction with additional variants in individuals referred for connective tissue disorder genetic testing at GeneDx; segregation data is limited or absent at this time; Not observed at a significant frequency in large population cohorts (Lek et al., 2016); In silico analysis, which includes protein predictors and evolutionary conservation, supports a deleterious effect; Reported in ClinVar as a variant of uncertain significance (ClinVar Variant ID# 544174; Landrum et al., 2016); This variant is associated with the following publications: (PMID: 25104330)